The following is an entry in ClinVar:

ClinVar aggregate classification (germline): Uncertain significance (1 of 4 stars; one submission).

Submission:

Labcorp Genetics (formerly Invitae), Labcorp
Classification: Uncertain significance. Last evaluated: 2023-02-26. Review status: criteria provided, single submitter. Criteria: Invitae Variant Classification Sherloc (09022015). Collection method: clinical testing. Allele origin: germline.
Comment: In summary, the available evidence is currently insufficient to determine the role of this variant in disease. Therefore, it has been classified as a Variant of Uncertain Significance. An algorithm developed to predict the effect of missense changes on protein structure and function (PolyPhen-2) suggests that this variant is likely to be tolerated. This variant has not been reported in the literature in individuals affected with DSCAML1-related conditions. This variant is not present in population databases (gnomAD no frequency). This sequence change replaces alanine, which is neutral and non-polar, with serine, which is neutral and polar, at codon 917 of the DSCAML1 protein (p.Ala917Ser).

NM_020693.4(DSCAML1):c.2569G>T (p.Ala857Ser)

Gene: DSCAML1 (DS cell adhesion molecule like 1; minus strand). Cytogenetic location: 11q23.3.
Variant type: single nucleotide variant.
Coding change: c.2569G>T on transcript NM_020693.4 (MANE Select); coding-DNA position 2569, G replaced by T.
Protein change: p.Ala857Ser; replaces alanine 857 with serine.
Molecular consequence: missense variant.
Genome position (GRCh38, 1-based): chr11:117,481,261, C>A on the plus strand (G>T on the coding strand, the complement: DSCAML1 is on the minus strand). VCF-style: chr11-117481261-C-A. GRCh37 (hg19) VCF-style: chr11-117351976-C-A.
Other names: c.2569G>T, p.Ala857Ser (NM_001367904.1); short protein forms A857S.
Identifiers: ClinVar variation 2891833 (VCV002891833.3), dbSNP rs199597664, ClinGen allele CA382747544.
Genomic context (GRCh38, chr11:117,481,261, plus strand): 5'-GGTCCTCCCCATACGAGTTGATGGCATGGCAGCTGAAGAACACAGAGTCCCCACGGTCAG[C>A]GGGCTTGAGCTGGGAGACCACCAGCAGGGGCAGGAGAGGGAGTAAACAGGGAGAGTCTTT-3'
Protein context (NP_065744.3, residues 847-867): EVVSTLKLKP[Ala857Ser]DRGDSVFFSC